The following is an entry in ClinVar:

NM_001312909.2(FAM111A):c.529G>A (p.Ala177Thr)

Gene: FAM111A (FAM111 trypsin like peptidase A; plus strand). Cytogenetic location: 11q12.1.
Variant type: single nucleotide variant.
Coding change: c.529G>A on transcript NM_001312909.2 (MANE Select); coding-DNA position 529, G replaced by A.
Protein change: p.Ala177Thr; replaces alanine 177 with threonine.
Molecular consequence: missense variant.
Genome position (GRCh38, 1-based): chr11:59,152,197, G>A. VCF-style: chr11-59152197-G-A. GRCh37 (hg19) VCF-style: chr11-58919670-G-A.
Other names: c.529G>A, p.Ala177Thr (NM_001142519.3, NM_001142520.3, NM_001142521.3 and 29 more transcripts); short protein forms A177T.
Identifiers: ClinVar variation 1967065 (VCV001967065.5), dbSNP rs780435879, ClinGen allele CA6016594.
Genomic context (GRCh38, chr11:59,152,197, plus strand): 5'-TTTTCCCAAAGTAAAAGTAAGCAGAAGGAAGATAACCACATATTTGGCAGGCAGGACAAA[G>A]CATCGACTGAATGTGTCAAATTTTACATTCATGCAATTGGAATTGGGAAGTGTAAAAGAA-3'
Protein context (NP_001299838.1, residues 167-187): DNHIFGRQDK[Ala177Thr]STECVKFYIH

ClinVar aggregate classification (germline): Uncertain significance (1 of 4 stars; one submission).

Allele frequency attached by ClinVar (database versions not stated): TOPMed below 0.00001; ExAC 0.00004.

Submission:

Labcorp Genetics (formerly Invitae), Labcorp
Classification: Uncertain significance. Last evaluated: 2024-07-25. Review status: criteria provided, single submitter. Criteria: Invitae Variant Classification Sherloc (09022015). Collection method: clinical testing. Allele origin: germline.
Comment: This sequence change replaces alanine, which is neutral and non-polar, with threonine, which is neutral and polar, at codon 177 of the FAM111A protein (p.Ala177Thr). This variant is present in population databases (rs780435879, gnomAD 0.01%). This variant has not been reported in the literature in individuals affected with FAM111A-related conditions. ClinVar contains an entry for this variant (Variation ID: 1967065). Advanced modeling of protein sequence and biophysical properties (such as structural, functional, and spatial information, amino acid conservation, physicochemical variation, residue mobility, and thermodynamic stability) performed at Invitae indicates that this missense variant is not expected to disrupt FAM111A protein function with a negative predictive value of 80%. In summary, the available evidence is currently insufficient to determine the role of this variant in disease. Therefore, it has been classified as a Variant of Uncertain Significance.